The following is an entry in ClinVar:

NM_144499.3(GNAT1):c.863-5C>G

Gene: GNAT1 (G protein subunit alpha transducin 1; plus strand). Cytogenetic location: 3p21.31.
Variant type: single nucleotide variant.
Coding change: c.863-5C>G on transcript NM_144499.3 (MANE Select); 5 bases into the intron before coding-DNA position 863, C replaced by G.
Molecular consequence: intron variant.
Genome position (GRCh38, 1-based): chr3:50,194,760, C>G. VCF-style: chr3-50194760-C-G. GRCh37 (hg19) VCF-style: chr3-50232193-C-G.
Other names: c.863-5C>G (NM_000172.4).
Identifiers: ClinVar variation 1396648 (VCV001396648.6), dbSNP rs770090555, ClinGen allele CA2573137211.
Genomic context (GRCh38, chr3:50,194,760, plus strand): 5'-CGCGGCGCGCACCCCCCGCACGGGGAAGGAAGGGCTGAGCAGAGTGAGAGCTCCCGCCCC[C>G]GCAGGACCCAACACCTACGAGGACGCCGGCAACTACATCAAGGTGCAGTTCCTCGAGCTC-3'

ClinVar aggregate classification (germline): Uncertain significance (1 of 4 stars; one submission).

gnomAD v4.1: 4 of 1,613,586 alleles (0.00025%); highest among the groups gnomAD compares: South Asian, 0.0022%; no homozygotes.

Submission:

Labcorp Genetics (formerly Invitae), Labcorp
Classification: Uncertain significance. Last evaluated: 2022-03-18. Review status: criteria provided, single submitter. Criteria: Invitae Variant Classification Sherloc (09022015). Collection method: clinical testing. Allele origin: germline.
Comment: In summary, the available evidence is currently insufficient to determine the role of this variant in disease. Therefore, it has been classified as a Variant of Uncertain Significance. Algorithms developed to predict the effect of sequence changes on RNA splicing suggest that this variant may disrupt the consensus splice site. This variant has not been reported in the literature in individuals affected with GNAT1-related conditions. This variant is not present in population databases (gnomAD no frequency). This sequence change falls in intron 7 of the GNAT1 gene. It does not directly change the encoded amino acid sequence of the GNAT1 protein.